The following is an entry in ClinVar:

NM_001035.3(RYR2):c.6022+5G>A

Gene: RYR2 (ryanodine receptor 2; plus strand). Cytogenetic location: 1q43.
Variant type: single nucleotide variant.
Coding change: c.6022+5G>A on transcript NM_001035.3 (MANE Select); 5 bases into the intron after coding-DNA position 6022, G replaced by A.
Molecular consequence: intron variant.
Genome position (GRCh38, 1-based): chr1:237,623,875, G>A. VCF-style: chr1-237623875-G-A. GRCh37 (hg19) VCF-style: chr1-237787175-G-A.
Other names: c.6022+5G>A (LRG_402t1).
Identifiers: ClinVar variation 222789 (VCV000222789.27), dbSNP rs376389213, ClinGen allele CA087031.

ClinVar aggregate classification (germline): Conflicting classifications of pathogenicity. Review status: criteria provided, conflicting classifications (1 of 4 stars). 7 submissions from 6 submitters: Uncertain significance (6); Likely benign (1). Last evaluated 2026-01-16.

Conditions:
Cardiovascular phenotype. Identifiers: MedGen CN230736.
Arrhythmogenic right ventricular dysplasia 2. Identifiers: MedGen C1832931.
Cardiomyopathy (CMYO). Also called: Cardiomyopathies. Identifiers: Orphanet 167848, MedGen C0878544, MONDO:0004994, HP:0001638. Inheritance: Various modes of inheritance.
Catecholaminergic polymorphic ventricular tachycardia 1. Also called: RYR2-Related Catecholaminergic Polymorphic Ventricular Tachycardia; VENTRICULAR TACHYCARDIA, STRESS-INDUCED POLYMORPHIC 1; VENTRICULAR TACHYCARDIA, CATECHOLAMINERGIC POLYMORPHIC, 1, WITH OR WITHOUT ATRIAL DYSFUNCTION AND/OR DILATED CARDIOMYOPATHY. Identifiers: Orphanet 3286, MedGen C1631597, MONDO:0011484, OMIM 604772.

Allele frequency attached by ClinVar (database versions not stated): ExAC 0.00007; ESP Exome Variant Server 0.00008; gnomAD exomes 0.00008 and 0.00017; TOPMed 0.00010; gnomAD 0.00014 and 0.00015.
gnomAD v4.1: 260 of 1,578,252 alleles (0.016%); highest among the groups gnomAD compares: Non-Finnish European, 0.022%; no homozygotes.

Submissions (8):

Labcorp Genetics (formerly Invitae), Labcorp
Classification: Uncertain significance for Catecholaminergic polymorphic ventricular tachycardia 1. Last evaluated: 2026-01-16. Review status: criteria provided, single submitter. Criteria: Invitae Variant Classification Sherloc (09022015). Collection method: clinical testing. Allele origin: germline.
Comment: This sequence change falls in intron 39 of the RYR2 gene. It does not directly change the encoded amino acid sequence of the RYR2 protein. It affects a nucleotide within the consensus splice site. This variant is present in population databases (rs376389213, gnomAD 0.02%). This variant has been observed in individual(s) with early repolarization syndrome (PMID: 36138163). ClinVar contains an entry for this variant (Variation ID: 222789). Variants that disrupt the consensus splice site are a relatively common cause of aberrant splicing (PMID: 17576681, 9536098). Algorithms developed to predict the effect of sequence changes on RNA splicing suggest that this variant is not likely to affect RNA splicing. In summary, the available evidence is currently insufficient to determine the role of this variant in disease. Therefore, it has been classified as a Variant of Uncertain Significance.

Women's Health and Genetics/Laboratory Corporation of America, LabCorp
Classification: Likely benign. Last evaluated: 2025-11-12. Review status: criteria provided, single submitter. Criteria: LabCorp Variant Classification Summary - May 2015. Collection method: clinical testing. Allele origin: germline.
Comment: Variant summary: RYR2 c.6022+5G>A alters a nucleotide located close to a canonical splice site and therefore could affect mRNA splicing, leading to a significantly altered protein sequence. Several computational tools predict a significant impact on normal splicing: Three predict the variant weakens a 5' donor site. However, these predictions have yet to be confirmed by functional studies. The variant allele was found at a frequency of 8.5e-05 in 248490 control chromosomes. The observed variant frequency exceeds the estimated maximal expected allele frequency for disease-causing variants in RYR2. c.6022+5G>A has been observed in individual(s) affected with early repolarization syndrome (Rayani_2023). These report(s) do not provide unequivocal conclusions about association of the variant with Catecholaminergic Polymorphic Ventricular Tachycardia. To our knowledge, no experimental evidence demonstrating an impact on protein function has been reported. The following publication has been ascertained in the context of this evaluation (PMID: 36138163). ClinVar contains an entry for this variant (Variation ID: 222789). Based on the evidence outlined above, the variant was classified as likely benign.

Ambry Genetics
Classification: Uncertain significance for Cardiovascular phenotype. Last evaluated: 2025-04-16. Review status: criteria provided, single submitter. Criteria: Ambry Variant Classification Scheme 2023. Collection method: clinical testing. Allele origin: germline.
Comment: The c.6022+5G>A intronic variant results from a G to A substitution 5 nucleotides after coding exon 39 in the RYR2 gene. This variant was reported in an individual with features consistent with early repolarization syndrome (Rayani K et al. Eur J Hum Genet, 2023 May;31:512-520). This nucleotide position is poorly conserved in available vertebrate species. In silico splice site analysis for this alteration is inconclusive. Based on the available evidence, the clinical significance of this variant remains unclear.

Color Diagnostics, LLC DBA Color Health
Classification: Uncertain significance for Cardiomyopathy. Last evaluated: 2024-05-03. Review status: criteria provided, single submitter. Criteria: ACMG Guidelines, 2015. Collection method: clinical testing. Allele origin: germline.
Comment: This variant causes a G>A nucleotide substitution at the +5 position of intron 39 of the RYR2 gene. Splice site prediction tools predict that this variant may disrupt RNA splicing. To our knowledge, functional studies have not been reported for this variant. This variant has not been reported in individuals affected with cardiovascular disorders in the literature. This variant has been identified in 29/279816 chromosomes in the general population by the Genome Aggregation Database (gnomAD). The available evidence is insufficient to determine the role of this variant in disease conclusively. Therefore, this variant is classified as a Variant of Uncertain Significance.

Blueprint Genetics
Classification: Uncertain significance. Last evaluated: 2024-04-04. Review status: criteria provided, single submitter. Criteria: ACMG Guidelines, 2015. Collection method: clinical testing. Allele origin: germline.

Illumina Laboratory Services, Illumina
Classification: Uncertain significance for Catecholaminergic polymorphic ventricular tachycardia 1. Last evaluated: 2017-04-27. Review status: criteria provided, single submitter. Criteria: ICSL Variant Classification Criteria 13 December 2019. Collection method: clinical testing. Allele origin: germline.

Illumina Laboratory Services, Illumina
Classification: Uncertain significance for Catecholaminergic polymorphic ventricular tachycardia 1. Last evaluated: 2017-04-27. Review status: criteria provided, single submitter. Criteria: ICSL Variant Classification Criteria 13 December 2019. Collection method: clinical testing. Allele origin: germline.

Dr. Peter K. Rogan Lab, Western University
No classification provided (evidence only). Condition: Uterine carcinosarcoma. Review status: no classification provided. Collection method: in vitro. Allele origin: not applicable. Functional consequence: retained intron. Not counted in ClinVar's aggregate classification.

Literature cited by the submitters: PubMed 36138163 (cited by 3 submitters); PubMed 17576681 (cited by Labcorp Genetics (formerly Invitae), Labcorp); PubMed 9536098 (cited by Labcorp Genetics (formerly Invitae), Labcorp).